The following is an entry in ClinVar:

NM_001128205.2(SULF1):c.1100C>T (p.Thr367Met)

Gene: SULF1 (sulfatase 1; plus strand). Cytogenetic location: 8q13.3.
Variant type: single nucleotide variant.
Coding change: c.1100C>T on transcript NM_001128205.2 (MANE Select); coding-DNA position 1100, C replaced by T.
Protein change: p.Thr367Met; replaces threonine 367 with methionine.
Molecular consequence: missense variant. On other transcripts: non-coding transcript variant (3).
Genome position (GRCh38, 1-based): chr8:69,603,230, C>T. VCF-style: chr8-69603230-C-T. GRCh37 (hg19) VCF-style: chr8-70515465-C-T.
Other names: c.1100C>T, p.Thr367Met (NM_001128204.2, NM_001128206.2, NM_001412828.1 and 15 more transcripts); c.914C>T, p.Thr305Met (NM_001412841.1, NM_001412842.1); c.500C>T, p.Thr167Met (NM_001412844.1, NM_001412845.1); c.-676C>T (NM_001412846.1); short protein forms T167M, T305M, T367M.
Identifiers: ClinVar variation 2421832 (VCV002421832.5), dbSNP rs778702431, ClinGen allele CA4775784.

ClinVar aggregate classification (germline): Uncertain significance (1 of 4 stars; one submission).

Allele frequency attached by ClinVar (database versions not stated): gnomAD exomes below 0.00001; TOPMed below 0.00001; gnomAD 0.00001; ExAC 0.00002.
gnomAD v4.1: 8 of 1,614,174 alleles (0.0005%); highest among the groups gnomAD compares: South Asian, 0.0033%; 1 homozygote.

Submission:

Labcorp Genetics (formerly Invitae), Labcorp
Classification: Uncertain significance. Last evaluated: 2022-11-08. Review status: criteria provided, single submitter. Criteria: Invitae Variant Classification Sherloc (09022015). Collection method: clinical testing. Allele origin: germline.
Comment: This variant has not been reported in the literature in individuals affected with SULF1-related conditions. In summary, the available evidence is currently insufficient to determine the role of this variant in disease. Therefore, it has been classified as a Variant of Uncertain Significance. Algorithms developed to predict the effect of missense changes on protein structure and function (SIFT, PolyPhen-2, Align-GVGD) all suggest that this variant is likely to be disruptive. This variant is present in population databases (rs778702431, gnomAD 0.01%). This sequence change replaces threonine, which is neutral and polar, with methionine, which is neutral and non-polar, at codon 367 of the SULF1 protein (p.Thr367Met).